The following is an entry in ClinVar:

ClinVar aggregate classification (germline): Likely pathogenic. Review status: criteria provided, single submitter (1 of 4 stars). 2 submissions from 2 submitters: Likely pathogenic (1). 1 of the submissions does not count toward it. Last evaluated 2024-06-25.

Conditions:
Muscular dystrophy-dystroglycanopathy (congenital with brain and eye anomalies), type A3. Also called: Muscular dystrophy-dystroglycanopathy (congenital with brain and eye anomalies), type A, 3; WALKER-WARBURG SYNDROME OR MUSCLE-EYE-BRAIN DISEASE, POMGNT1-RELATED; Congenital muscular dystrophy-dystroglycanopathy with brain and eye anomalies, type A3. Identifiers: MedGen C3151519, MONDO:0009667, OMIM 253280.
Autosomal recessive limb-girdle muscular dystrophy. Identifiers: Orphanet 102015, MedGen C2931907, MONDO:0015152.

gnomAD v4.1: 2 of 1,614,202 alleles (0.00012%); highest among the groups gnomAD compares: East Asian, 0.0022%; no homozygotes.

Submissions (2):

Women's Health and Genetics/Laboratory Corporation of America, LabCorp
Classification: Likely pathogenic for Autosomal recessive limb-girdle muscular dystrophy. Last evaluated: 2024-06-25. Review status: criteria provided, single submitter. Criteria: LabCorp Variant Classification Summary - May 2015. Collection method: clinical testing. Allele origin: germline.
Comment: Variant summary: POMGNT1 c.794G>C (p.Arg265Pro) results in a non-conservative amino acid change in the encoded protein sequence. Five of five in-silico tools predict a damaging effect of the variant on protein function. The variant was absent in 251420 control chromosomes. c.794G>C has been reported in the literature in the compound heterozygous or presumed compound heterozygous state in multiple individuals affected with muscle-eye-brain disease (example, Fu_2017, Song_2021), including at least 1 individual carrying a pathogenic variant in trans. These data indicate that the variant is likely to be associated with disease. To our knowledge, no experimental evidence demonstrating an impact on protein function has been reported. The following publications have been ascertained in the context of this evaluation (PMID: 28765568, 33200426). ClinVar contains an entry for this variant (Variation ID: 558572). Based on the evidence outlined above, the variant was classified as likely pathogenic.

Counsyl
Classification: Uncertain significance for Muscular dystrophy-dystroglycanopathy (congenital with brain and eye anomalies), type A3. Last evaluated: 2018-05-30. Review status: no assertion criteria provided. Collection method: clinical testing. Allele origin: unknown. Not counted in ClinVar's aggregate classification.

Literature cited by the submitters: PubMed 33200426 (cited by Women's Health and Genetics/Laboratory Corporation of America, LabCorp); PubMed 28765568 (cited by Women's Health and Genetics/Laboratory Corporation of America, LabCorp and Counsyl).

NM_017739.4(POMGNT1):c.794G>C (p.Arg265Pro)

Genes: TSPAN1 (tetraspanin 1; plus strand), POMGNT1 (protein O-linked mannose N-acetylglucosaminyltransferase 1 (beta 1,2-); minus strand). Cytogenetic location: 1p34.1.
Variant type: single nucleotide variant.
Coding change: c.794G>C on transcript NM_017739.4 (MANE Select); coding-DNA position 794, G replaced by C.
Protein change: p.Arg265Pro; replaces arginine 265 with proline.
Molecular consequence: missense variant.
Genome position (GRCh38, 1-based): chr1:46,194,359, C>G on the plus strand (G>C on the coding strand, the complement: POMGNT1 is on the minus strand). VCF-style: chr1-46194359-C-G. GRCh37 (hg19) VCF-style: chr1-46660031-C-G.
Other names: c.794G>C, p.Arg265Pro (NM_001243766.2, NM_001410783.1); c.728G>C, p.Arg243Pro (NM_001290129.3); c.365G>C, p.Arg122Pro (NM_001290130.2); short protein forms R265P, R122P, R243P.
Identifiers: ClinVar variation 558572 (VCV000558572.4), dbSNP rs386834010, ClinGen allele CA340183190.